The following is an entry in ClinVar:

NM_006940.6(SOX5):c.-2G>A

Gene: SOX5 (SRY-box transcription factor 5; minus strand). Cytogenetic location: 12p12.1.
Variant type: single nucleotide variant.
Coding change: c.-2G>A on transcript NM_006940.6 (MANE Select); 2 bases upstream of the start codon, G replaced by A.
Molecular consequence: 5 prime UTR variant. On other transcripts: intron variant (3).
Genome position (GRCh38, 1-based): chr12:23,949,603, C>T on the plus strand (G>A on the coding strand, the complement: SOX5 is on the minus strand). VCF-style: chr12-23949603-C-T. GRCh37 (hg19) VCF-style: chr12-24102537-C-T.
Other names: c.-2G>A (NM_001330785.2); c.-1-53579G>A (NM_152989.5, NM_001261414.3); c.8+1266G>A (NM_001261415.3).
Identifiers: ClinVar variation 3058175 (VCV003058175.2), dbSNP rs140877494, ClinGen allele CA6484483.

ClinVar aggregate classification (germline): Likely benign (0 of 4 stars; one submission).

Conditions:
SOX5-related disorder. Also called: SOX5-related condition.

Allele frequency attached by ClinVar (database versions not stated): 1000 Genomes Project 30x 0.00016; 1000 Genomes Project 0.00020; ESP Exome Variant Server 0.00023.
gnomAD v4.1: 760 of 1,613,704 alleles (0.047%); highest among the groups gnomAD compares: Non-Finnish European, 0.061%; 1 homozygote.

Submission:

PreventionGenetics, part of Exact Sciences
Classification: Likely benign for SOX5-related condition. Last evaluated: 2023-01-12. Review status: no assertion criteria provided. Collection method: clinical testing. Allele origin: germline.
Comment: This variant is classified as likely benign based on ACMG/AMP sequence variant interpretation guidelines (Richards et al. 2015 PMID: 25741868, with internal and published modifications).